The following is an entry in ClinVar:

ClinVar aggregate classification (germline): Uncertain significance. Review status: criteria provided, multiple submitters, no conflicts (2 of 4 stars). 2 submissions from 2 submitters: Uncertain significance (2). Last evaluated 2025-07-23.

gnomAD v4.1: 4 of 1,613,838 alleles (0.00025%); highest among the groups gnomAD compares: Admixed American, 0.0017%; no homozygotes.

Submissions (2):

Labcorp Genetics (formerly Invitae), Labcorp
Classification: Uncertain significance. Last evaluated: 2025-07-23. Review status: criteria provided, single submitter. Criteria: Invitae Variant Classification Sherloc (09022015). Collection method: clinical testing. Allele origin: germline.
Comment: This sequence change replaces valine, which is neutral and non-polar, with glycine, which is neutral and non-polar, at codon 538 of the SULF1 protein (p.Val538Gly). This variant is not present in population databases (gnomAD no frequency). This variant has not been reported in the literature in individuals affected with SULF1-related conditions. ClinVar contains an entry for this variant (Variation ID: 3451201). An algorithm developed to predict the effect of missense changes on protein structure and function (PolyPhen-2) suggests that this variant is likely to be tolerated. In summary, the available evidence is currently insufficient to determine the role of this variant in disease. Therefore, it has been classified as a Variant of Uncertain Significance.

Ambry Genetics
Classification: Uncertain significance. Last evaluated: 2024-11-10. Review status: criteria provided, single submitter. Criteria: Ambry Variant Classification Scheme 2023. Collection method: clinical testing. Allele origin: germline.

NM_001128205.2(SULF1):c.1613T>G (p.Val538Gly)

Gene: SULF1 (sulfatase 1; plus strand). Cytogenetic location: 8q13.3.
Variant type: single nucleotide variant.
Coding change: c.1613T>G on transcript NM_001128205.2 (MANE Select); coding-DNA position 1613, T replaced by G.
Protein change: p.Val538Gly; replaces valine 538 with glycine.
Molecular consequence: missense variant. On other transcripts: 5 prime UTR variant (1), non-coding transcript variant (7).
Genome position (GRCh38, 1-based): chr8:69,623,960, T>G. VCF-style: chr8-69623960-T-G. GRCh37 (hg19) VCF-style: chr8-70536195-T-G.
Other names: c.1613T>G, p.Val538Gly (NM_001128204.2, NM_001128206.2, NM_001412828.1 and 9 more transcripts); c.1484T>G, p.Val495Gly (NM_001412832.1, NM_001412838.1, NM_001412839.1 and 1 more transcripts); c.1556T>G, p.Val519Gly (NM_001412836.1, NM_001412837.1); c.1427T>G, p.Val476Gly (NM_001412841.1, NM_001412842.1); c.1013T>G, p.Val338Gly (NM_001412844.1, NM_001412845.1); c.-179T>G (NM_001412846.1); short protein forms V338G, V476G, V538G, V495G, V519G.
Identifiers: ClinVar variation 3451201 (VCV003451201.2).